The following is an entry in ClinVar:

NM_001377540.1(SLMAP):c.880G>A (p.Glu294Lys)

Gene: SLMAP (sarcolemma associated protein; plus strand). Cytogenetic location: 3p14.3.
Variant type: single nucleotide variant.
Coding change: c.880G>A on transcript NM_001377540.1 (MANE Select); coding-DNA position 880, G replaced by A.
Protein change: p.Glu294Lys; replaces glutamic acid 294 with lysine.
Molecular consequence: missense variant. On other transcripts: non-coding transcript variant (1).
Genome position (GRCh38, 1-based): chr3:57,862,000, G>A. VCF-style: chr3-57862000-G-A. GRCh37 (hg19) VCF-style: chr3-57847727-G-A.
Other names: c.880G>A, p.Glu294Lys (NM_001304420.3, NM_001304421.2, NM_001377538.1 and 17 more transcripts); short protein forms E294K.
Identifiers: ClinVar variation 1523578 (VCV001523578.11), dbSNP rs770596419, ClinGen allele CA2466960.

ClinVar aggregate classification (germline): Uncertain significance. Review status: criteria provided, multiple submitters, no conflicts (2 of 4 stars). 2 submissions from 2 submitters: Uncertain significance (2). Last evaluated 2024-12-07.

Conditions:
Brugada syndrome. Also called: Sudden unexpected nocturnal death syndrome; Sudden Unexplained Nocturnal Death Syndrome (SUNDS); Sudden Unexplained Death Syndrome; Sudden unexplained nocturnal death syndrome. Identifiers: Orphanet 130, MedGen C1142166, MONDO:0015263.

Allele frequency attached by ClinVar (database versions not stated): ExAC 0.00001; gnomAD 0.00001; gnomAD exomes 0.00001 and 0.00002.
gnomAD v4.1: 32 of 1,610,200 alleles (0.002%); highest among the groups gnomAD compares: Non-Finnish European, 0.0025%; no homozygotes.

Submissions (2):

Ambry Genetics
Classification: Uncertain significance. Last evaluated: 2024-12-07. Review status: criteria provided, single submitter. Criteria: Ambry Variant Classification Scheme 2023. Collection method: clinical testing. Allele origin: germline.
Comment: The p.E294K variant (also known as c.880G>A), located in coding exon 9 of the SLMAP gene, results from a G to A substitution at nucleotide position 880. The glutamic acid at codon 294 is replaced by lysine, an amino acid with similar properties. This amino acid position is conserved. In addition, this alteration is predicted to be deleterious by in silico analysis. Since supporting evidence is limited at this time, the clinical significance of this alteration remains unclear.

Labcorp Genetics (formerly Invitae), Labcorp
Classification: Uncertain significance for Brugada syndrome. Last evaluated: 2022-06-27. Review status: criteria provided, single submitter. Criteria: Invitae Variant Classification Sherloc (09022015). Collection method: clinical testing. Allele origin: germline.
Comment: This sequence change replaces glutamic acid, which is acidic and polar, with lysine, which is basic and polar, at codon 294 of the SLMAP protein (p.Glu294Lys). This variant is present in population databases (rs770596419, gnomAD 0.007%). This variant has not been reported in the literature in individuals affected with SLMAP-related conditions. Algorithms developed to predict the effect of missense changes on protein structure and function are either unavailable or do not agree on the potential impact of this missense change (SIFT: "Tolerated"; PolyPhen-2: "Possibly Damaging"; Align-GVGD: "Class C0"). In summary, the available evidence is currently insufficient to determine the role of this variant in disease. Therefore, it has been classified as a Variant of Uncertain Significance.